The following is an entry in ClinVar:

ClinVar aggregate classification (germline): Benign/Likely benign. Review status: criteria provided, multiple submitters, no conflicts (2 of 4 stars). 3 submissions from 3 submitters: Benign (1); Likely benign (2). Last evaluated 2025-02-22.

Conditions:
Hereditary cancer-predisposing syndrome. Also called: Hereditary neoplastic syndrome; Neoplastic Syndromes, Hereditary; Tumor predisposition; Hereditary Cancer Syndrome. Identifiers: Orphanet 140162, MedGen C0027672, MeSH D009386, MONDO:0015356.
Birt-Hogg-Dube syndrome 1 (BHD1). Also called: FIBROFOLLICULOMAS WITH TRICHODISCOMAS AND ACROCHORDONS. Identifiers: Orphanet 122, MedGen CN375946, MONDO:0800445, OMIM 135150.
Birt-Hogg-Dube syndrome. Also called: Birt Hogg Dubé syndrome. Identifiers: Orphanet 122, MedGen C0346010, MONDO:0800444.

Submissions (3):

Ambry Genetics
Classification: Likely benign for Hereditary cancer-predisposing syndrome. Last evaluated: 2025-02-22. Review status: criteria provided, single submitter. Criteria: Ambry Variant Classification Scheme 2023. Collection method: clinical testing. Allele origin: germline.

Myriad Genetics, Inc.
Classification: Benign for Birt-Hogg-Dube syndrome 1. Last evaluated: 2024-10-28. Review status: criteria provided, single submitter. Criteria: Myriad Autosomal Dominant, Autosomal Recessive and X-Linked Classification Criteria (2023). Collection method: clinical testing. Allele origin: unknown.
Comment: This variant is considered benign. This variant is a silent/synonymous amino acid change and it is not expected to impact splicing.

Labcorp Genetics (formerly Invitae), Labcorp
Classification: Likely benign for Birt-Hogg-Dube syndrome. Last evaluated: 2022-11-10. Review status: criteria provided, single submitter. Criteria: Invitae Variant Classification Sherloc (09022015). Collection method: clinical testing. Allele origin: germline.

NM_144997.7(FLCN):c.1650G>A (p.Leu550=)

Gene: FLCN (folliculin; minus strand). Cytogenetic location: 17p11.2.
Variant type: single nucleotide variant.
Coding change: c.1650G>A on transcript NM_144997.7 (MANE Select); coding-DNA position 1650, G replaced by A.
Protein change: p.Leu550=; no amino-acid change (leucine 550 retained).
Molecular consequence: synonymous variant.
Genome position (GRCh38, 1-based): chr17:17,213,745, C>T on the plus strand (G>A on the coding strand, the complement: FLCN is on the minus strand). VCF-style: chr17-17213745-C-T. GRCh37 (hg19) VCF-style: chr17-17117059-C-T.
Other names: c.1704G>A, p.Leu568= (NM_001353229.2); c.1650G>A, p.Leu550= (NM_001353230.2, NM_001353231.2).
Identifiers: ClinVar variation 2801451 (VCV002801451.5), dbSNP rs1301146444, ClinGen allele CA498163085.
Genomic context (GRCh38, chr17:17,213,745, plus strand): 5'-GCGGACCGTGGACATGAGGTGTGACTTGTAGGTCTTGCTCAGGCCAGTCATCCAGAACTT[C>T]AGCAGCTTGACATTGTCCTCCTCGGACGCACCCAGGATGCTCAGCAGCTTCTGTGTGTCC-3'
Protein context (NP_659434.2, residues 540-560): GASEEDNVKL[Leu550=]KFWMTGLSKT